The following is an entry in ClinVar:

ClinVar aggregate classification (germline): Benign/Likely benign. Review status: criteria provided, multiple submitters, no conflicts (2 of 4 stars). 7 submissions from 7 submitters: Benign (1); Likely benign (6). Last evaluated 2025-12-31.

Conditions:
Classic or attenuated familial adenomatous polyposis. Identifiers: MedGen CN372698, MONDO:0021057.
Hereditary cancer-predisposing syndrome. Also called: Hereditary neoplastic syndrome; Tumor predisposition; Hereditary Cancer Syndrome; Neoplastic Syndromes, Hereditary. Identifiers: Orphanet 140162, MedGen C0027672, MeSH D009386, MONDO:0015356.
Familial adenomatous polyposis 1 (FAP1). Also called: FAMILIAL ADENOMATOUS POLYPOSIS 1, ATTENUATED; POLYPOSIS, ADENOMATOUS INTESTINAL. Identifiers: MedGen C2713442, MONDO:0021056, OMIM 175100. Disease mechanism: loss of function.

Allele frequency attached by ClinVar (database versions not stated): gnomAD exomes 0.00001 and 0.00003; TOPMed 0.00001.
gnomAD v4.1: 50 of 1,614,034 alleles (0.0031%); highest among the groups gnomAD compares: Non-Finnish European, 0.004%; no homozygotes.

Submissions (7):

Labcorp Genetics (formerly Invitae), Labcorp
Classification: Likely benign for Familial adenomatous polyposis 1. Last evaluated: 2025-12-31. Review status: criteria provided, single submitter. Criteria: Invitae Variant Classification Sherloc (09022015). Collection method: clinical testing. Allele origin: germline.

Quest Diagnostics Nichols Institute San Juan Capistrano
Classification: Likely benign. Last evaluated: 2025-08-14. Review status: criteria provided, single submitter. Criteria: Quest Diagnostics criteria. Collection method: clinical testing. Allele origin: unknown.

Myriad Genetics, Inc.
Classification: Benign for Familial adenomatous polyposis 1. Last evaluated: 2024-03-26. Review status: criteria provided, single submitter. Criteria: Myriad Autosomal Dominant, Autosomal Recessive and X-Linked Classification Criteria (2023). Collection method: clinical testing. Allele origin: unknown.
Comment: This variant is considered benign. This variant is a silent/synonymous amino acid change and it is not expected to impact splicing.

All of Us Research Program, National Institutes of Health
Classification: Likely benign for Classic or attenuated familial adenomatous polyposis. Last evaluated: 2023-12-13. Review status: criteria provided, single submitter. Criteria: ACMG Guidelines, 2015. Collection method: clinical testing. Allele origin: germline. Inheritance: Autosomal dominant inheritance. Observed: 8 variant alleles, 8 heterozygotes.
Comment: This study involves interpretation of variants in research participants for the purpose of population health screening. Participant phenotype was not available at the time of variant classification. Additional details can be found in publication PMID: 35346344, PMCID: PMC8962531

Sema4
Classification: Likely benign for Hereditary cancer-predisposing syndrome. Last evaluated: 2021-08-06. Review status: criteria provided, single submitter. Criteria: Sema4 Curation Guidelines. Collection method: curation. Allele origin: germline.

Color Diagnostics, LLC DBA Color Health
Classification: Likely benign for Hereditary cancer-predisposing syndrome. Last evaluated: 2017-12-11. Review status: criteria provided, single submitter. Criteria: ACMG Guidelines, 2015. Collection method: clinical testing. Allele origin: germline.

Ambry Genetics
Classification: Likely benign for Hereditary cancer-predisposing syndrome. Last evaluated: 2015-04-03. Review status: criteria provided, single submitter. Criteria: Ambry Variant Classification Scheme 2023. Collection method: clinical testing. Allele origin: germline.

NM_000038.6(APC):c.4344C>T (p.Thr1448=)

Gene: APC (APC regulator of Wnt signaling pathway; plus strand). Cytogenetic location: 5q22.2.
Variant type: single nucleotide variant.
Coding change: c.4344C>T on transcript NM_000038.6 (MANE Select); coding-DNA position 4344, C replaced by T.
Protein change: p.Thr1448=; no amino-acid change (threonine 1448 retained).
Molecular consequence: synonymous variant.
Genome position (GRCh38, 1-based): chr5:112,839,938, C>T. VCF-style: chr5-112839938-C-T. GRCh37 (hg19) VCF-style: chr5-112175635-C-T.
Other names: c.4344C>T, p.Thr1448= (NM_001127510.3, NM_001354895.2); c.4290C>T, p.Thr1430= (NM_001127511.3); c.4398C>T, p.Thr1466= (NM_001354896.2); c.4374C>T, p.Thr1458= (NM_001354897.2); c.4269C>T, p.Thr1423= (NM_001354898.2); c.4260C>T, p.Thr1420= (NM_001354899.2); c.4221C>T, p.Thr1407= (NM_001354900.2); c.4167C>T, p.Thr1389= (NM_001354901.2); and 5 more.
Identifiers: ClinVar variation 220519 (VCV000220519.22), dbSNP rs864622562, ClinGen allele CA350594.
Genomic context (GRCh38, chr5:112,839,938, plus strand): 5'-ACAAACCATGCCACCAAGCAGAAGTAAAACACCTCCACCACCTCCTCAAACAGCTCAAAC[C>T]AAGCGAGAAGTACCTAAAAATAAAGCACCTACTGCTGAAAAGAGAGAGAGTGGACCTAAG-3'
Protein context (NP_000029.2, residues 1438-1458): TPPPPPQTAQ[Thr1448=]KREVPKNKAP